The following is an entry in ClinVar:

ClinVar aggregate classification (germline): Uncertain significance (1 of 4 stars; one submission).

Conditions:
PKD1-related disorder. Also called: PKD1-related condition.

Submission:

PreventionGenetics, part of Exact Sciences
Classification: Uncertain significance for PKD1-related condition. Last evaluated: 2026-03-27. Review status: criteria provided, single submitter. Criteria: ACMG Guidelines, 2015. Collection method: clinical testing. Allele origin: germline.
Comment: The PKD1 c.12734G>A variant is predicted to result in the amino acid substitution p.Ser4245Asn. To our knowledge, this variant has not been reported in the literature. This variant is reported in 0.00093% of alleles in individuals of European (Non-Finnish) descent in gnomAD. At this time, the clinical significance of this variant is uncertain due to the absence of conclusive functional and genetic evidence.

NM_001009944.3(PKD1):c.12734G>A (p.Ser4245Asn)

Gene: PKD1 (polycystin 1, transient receptor potential channel interacting; minus strand). Cytogenetic location: 16p13.3.
Variant type: single nucleotide variant.
Coding change: c.12734G>A on transcript NM_001009944.3 (MANE Select); coding-DNA position 12734, G replaced by A.
Protein change: p.Ser4245Asn; replaces serine 4245 with asparagine.
Molecular consequence: missense variant.
Genome position (GRCh38, 1-based): chr16:2,089,905, C>T on the plus strand (G>A on the coding strand, the complement: PKD1 is on the minus strand). VCF-style: chr16-2089905-C-T. GRCh37 (hg19) VCF-style: chr16-2139906-C-T.
Other names: c.12731G>A, p.Ser4244Asn (NM_000296.4); short protein forms S4244N, S4245N.
Identifiers: ClinVar variation 5000984 (VCV005000984.1).